The following is an entry in ClinVar:

ClinVar aggregate classification (germline): Conflicting classifications of pathogenicity. Review status: criteria provided, conflicting classifications (1 of 4 stars). 6 submissions from 6 submitters: Uncertain significance (5); Likely benign (1). Last evaluated 2025-12-24.

Conditions:
Breast-ovarian cancer, familial, susceptibility to, 2 (BROVCA2). Also called: BRCA2 Hereditary Breast and Ovarian Cancer. Identifiers: Orphanet 145, MedGen C2675520, MONDO:0012933, OMIM 612555. Disease mechanism: loss of function.
Hereditary cancer-predisposing syndrome. Also called: Hereditary Cancer Syndrome; Hereditary neoplastic syndrome; Tumor predisposition; Neoplastic Syndromes, Hereditary. Identifiers: Orphanet 140162, MedGen C0027672, MeSH D009386, MONDO:0015356.
Hereditary breast ovarian cancer syndrome. Also called: Hereditary breast and ovarian cancer syndrome; BRCA1- and BRCA2-Associated Hereditary Breast and Ovarian Cancer; Hereditary breast and ovarian cancer syndrome (HBOC); Hereditary breast and/or ovarian cancer syndrome; Hereditary breast and ovarian cancer; Breast and ovarian cancer. Identifiers: Orphanet 145, MedGen C0677776, MeSH D061325, MONDO:0003582. Disease mechanism: loss of function.

Allele frequency attached by ClinVar (database versions not stated): gnomAD exomes below 0.00001 and 0.00001; TOPMed below 0.00001; ExAC 0.00001.
gnomAD v4.1: 3 of 1,605,532 alleles (0.00019%); highest among the groups gnomAD compares: Admixed American, 0.0051%; no homozygotes.

Submissions (6):

Labcorp Genetics (formerly Invitae), Labcorp
Classification: Uncertain significance for Hereditary breast ovarian cancer syndrome. Last evaluated: 2025-12-24. Review status: criteria provided, single submitter. Criteria: Invitae Variant Classification Sherloc (09022015). Collection method: clinical testing. Allele origin: germline.
Comment: This sequence change replaces serine, which is neutral and polar, with asparagine, which is neutral and polar, at codon 1259 of the BRCA2 protein (p.Ser1259Asn). This variant is present in population databases (rs762488820, gnomAD 0.009%). This missense change has been observed in individual(s) with breast cancer (PMID: 25186627). ClinVar contains an entry for this variant (Variation ID: 438972). Invitae Evidence Modeling of protein sequence and biophysical properties (such as structural, functional, and spatial information, amino acid conservation, physicochemical variation, residue mobility, and thermodynamic stability) indicates that this missense variant is not expected to disrupt BRCA2 protein function with a negative predictive value of 95%. In summary, the available evidence is currently insufficient to determine the role of this variant in disease. Therefore, it has been classified as a Variant of Uncertain Significance.

Ambry Genetics
Classification: Uncertain significance for Hereditary cancer-predisposing syndrome. Last evaluated: 2025-08-31. Review status: criteria provided, single submitter. Criteria: Ambry Variant Classification Scheme 2023. Collection method: clinical testing. Allele origin: germline.
Comment: The p.S1259N variant (also known as c.3776G>A), located in coding exon 10 of the BRCA2 gene, results from a G to A substitution at nucleotide position 3776. The serine at codon 1259 is replaced by asparagine, an amino acid with highly similar properties. This amino acid position is not well conserved in available vertebrate species. In addition, this alteration is predicted to be tolerated by in silico analysis. Since supporting evidence is limited at this time, the clinical significance of this alteration remains unclear.

Women's Health and Genetics/Laboratory Corporation of America, LabCorp
Classification: Uncertain significance. Last evaluated: 2025-07-14. Review status: criteria provided, single submitter. Criteria: LabCorp Variant Classification Summary - May 2015. Collection method: clinical testing. Allele origin: germline.
Comment: Variant summary: BRCA2 c.3776G>A (p.Ser1259Asn) results in a conservative amino acid change in the encoded protein sequence. Algorithms developed to predict the effect of missense changes on protein structure and function all suggest that this variant is likely to be tolerated. The variant allele was found at a frequency of 1.2e-05 in 244234 control chromosomes. The available data on variant occurrences in the general population are insufficient to allow any conclusion about variant significance. c.3776G>A has been observed in at least one female with breast cancer prior to the age of 50, who was also found to carry a pathogenic variant in another gene known to confer an increased risk for breast cancer (example: Tung_2015). This report does not provide unequivocal conclusions about association of the BRCA2 c.3776G>A variant with Hereditary Breast And Ovarian Cancer Syndrome. To our knowledge, no experimental evidence demonstrating an impact on protein function has been reported. The following publication has been ascertained in the context of this evaluation (PMID: 25186627). ClinVar contains an entry for this variant (Variation ID: 438972). Based on the evidence outlined above, the variant was classified as uncertain significance.

All of Us Research Program, National Institutes of Health
Classification: Uncertain significance for Breast-ovarian cancer, familial, susceptibility to, 2. Last evaluated: 2024-01-03. Review status: criteria provided, single submitter. Criteria: ACMG Guidelines, 2015. Collection method: clinical testing. Allele origin: germline. Inheritance: Autosomal dominant inheritance. Observed: 1 variant allele, 1 heterozygote.
Comment: This missense variant replaces serine with asparagine at codon 1259 of the BRCA2 protein. Computational prediction suggests that this variant may not impact protein structure and function (internally defined REVEL score threshold <= 0.5, PMID: 27666373). To our knowledge, functional studies have not been reported for this variant. This variant has been reported in 1 individual affected with breast cancer, this individual also carried a pathogenic variant in the BRIP1 gene that could explain the observed phenotype (PMID: 25186627). This variant has been identified in 3/244234 chromosomes in the general population by the Genome Aggregation Database (gnomAD). The available evidence is insufficient to determine the role of this variant in disease conclusively. Therefore, this variant is classified as a Variant of Uncertain Significance.

This study involves interpretation of variants in research participants for the purpose of population health screening. Participant phenotype was not available at the time of variant classification. Additional details can be found in publication PMID: 35346344, PMCID: PMC8962531

University of Washington Department of Laboratory Medicine, University of Washington
Classification: Likely benign for Hereditary cancer-predisposing syndrome. Last evaluated: 2023-03-23. Review status: criteria provided, single submitter. Criteria: Dines et al. (Genet Med. 2020). Collection method: curation. Allele origin: germline.
Comment: Missense variant in a coldspot region where missense variants are very unlikely to be pathogenic (PMID:31911673).

BRCA2 exon 11 coldspot. Reclassification based on statistical prior probability.

Quest Diagnostics Nichols Institute San Juan Capistrano
Classification: Uncertain significance. Last evaluated: 2022-11-07. Review status: criteria provided, single submitter. Criteria: Quest Diagnostics criteria. Collection method: clinical testing. Allele origin: unknown.
Comment: The variant has not been reported in individuals with BRCA2-related conditions in the published literature. The frequency of this variant in the general population, 0.00009 (3/33332 chromosomes), is uninformative in assessment of its pathogenicity. Analysis of this variant using bioinformatics tools for the prediction of the effect of amino acid changes on protein structure and function yielded predictions that this variant is benign. Based on the available information, we are unable to determine the clinical significance of this variant.

Literature cited by the submitters: PubMed 25186627 (cited by 3 submitters).

NM_000059.4(BRCA2):c.3776G>A (p.Ser1259Asn)

Gene: BRCA2 (BRCA2 DNA repair associated; plus strand). Cytogenetic location: 13q13.1.
Variant type: single nucleotide variant.
Coding change: c.3776G>A on transcript NM_000059.4 (MANE Select); coding-DNA position 3776, G replaced by A.
Protein change: p.Ser1259Asn; replaces serine 1259 with asparagine.
Molecular consequence: missense variant.
Genome position (GRCh38, 1-based): chr13:32,338,131, G>A. VCF-style: chr13-32338131-G-A. GRCh37 (hg19) VCF-style: chr13-32912268-G-A.
Other names: short protein forms S1259N.
Identifiers: ClinVar variation 438972 (VCV000438972.58), dbSNP rs762488820, ClinGen allele CA6940725.